The following is an entry in ClinVar:

ClinVar aggregate classification (germline): Pathogenic/Likely pathogenic. Review status: criteria provided, multiple submitters, no conflicts (2 of 4 stars). 4 submissions from 4 submitters: Pathogenic (3); Likely pathogenic (1). Last evaluated 2024-11-09.

Conditions:
Endometrial carcinoma. Also called: Endometrial carcinoma, somatic. Identifiers: MedGen C0476089, MONDO:0002447, OMIM 608089, HP:0012114.
Familial adenomatous polyposis 4 (FAP4). Also called: MSH3-related attenuated familial adenomatous polyposis. Identifiers: Orphanet 480536, MedGen C4310719, MONDO:0044300, OMIM 617100.
Hereditary cancer-predisposing syndrome. Also called: Tumor predisposition; Hereditary Cancer Syndrome; Neoplastic Syndromes, Hereditary; Hereditary neoplastic syndrome. Identifiers: Orphanet 140162, MedGen C0027672, MeSH D009386, MONDO:0015356.

Allele frequency attached by ClinVar (database versions not stated): gnomAD exomes below 0.00001 and 0.00002.

Submissions (4):

Labcorp Genetics (formerly Invitae), Labcorp
Classification: Pathogenic. Last evaluated: 2024-11-09. Review status: criteria provided, single submitter. Criteria: Invitae Variant Classification Sherloc (09022015). Collection method: clinical testing. Allele origin: germline.
Comment: This sequence change creates a premature translational stop signal (p.Thr363Asnfs*11) in the MSH3 gene. It is expected to result in an absent or disrupted protein product. Loss-of-function variants in MSH3 are known to be pathogenic (PMID: 27476653, 37402566). This variant is present in population databases (no rsID available, gnomAD 0.0009%). This variant has not been reported in the literature in individuals affected with MSH3-related conditions. ClinVar contains an entry for this variant (Variation ID: 822099). RNA analysis performed to evaluate the impact of this premature translational stop signal on mRNA splicing indicates it does not significantly alter splicing (internal data). For these reasons, this variant has been classified as Pathogenic.

Baylor Genetics
Classification: Likely pathogenic for Endometrial carcinoma. Last evaluated: 2023-12-19. Review status: criteria provided, single submitter. Criteria: ACMG Guidelines, 2015. Collection method: clinical testing. Allele origin: unknown.

Myriad Genetics, Inc.
Classification: Pathogenic for Familial adenomatous polyposis 4. Last evaluated: 2023-08-29. Review status: criteria provided, single submitter. Criteria: Myriad Autosomal Dominant, Autosomal Recessive and X-Linked Classification Criteria (2023). Collection method: clinical testing. Allele origin: unknown.
Comment: This variant is considered pathogenic. This variant creates a frameshift predicted to result in premature protein truncation.

Ambry Genetics
Classification: Pathogenic for Hereditary cancer-predisposing syndrome. Last evaluated: 2022-11-30. Review status: criteria provided, single submitter. Criteria: Ambry Variant Classification Scheme 2023. Collection method: clinical testing. Allele origin: germline.
Comment: The c.1087dupA pathogenic mutation, located in coding exon 7 of the MSH3 gene, results from a duplication of A at nucleotide position 1087, causing a translational frameshift with a predicted alternate stop codon (p.T363Nfs*11). This alteration is expected to result in loss of function by premature protein truncation or nonsense-mediated mRNA decay. As such, this alteration is interpreted as a disease-causing mutation.

Literature cited by the submitters: PubMed 27476653 (cited by Labcorp Genetics (formerly Invitae), Labcorp); PubMed 37402566 (cited by Labcorp Genetics (formerly Invitae), Labcorp).

NM_002439.5(MSH3):c.1087dup (p.Thr363fs)

Gene: MSH3 (mutS homolog 3; plus strand). Cytogenetic location: 5q14.1.
Variant type: Duplication.
Coding change: c.1087dup on transcript NM_002439.5 (MANE Select); coding-DNA position 1087, one base duplicated (A; older notation c.1087dupA).
Protein change: p.Thr363fs; shifts the reading frame from threonine 363.
Molecular consequence: frameshift variant.
Genome position (GRCh38, 1-based): chr5:80,675,042, A duplicated. VCF-style (leftmost placement, unchanged base first): chr5-80675041-T-TA. GRCh37 (hg19) VCF-style: chr5-79970860-T-TA.
Other names: short protein forms T363fs.
Identifiers: ClinVar variation 822099 (VCV000822099.15), dbSNP rs1234762807, ClinGen allele CA560552923.